The following is an entry in ClinVar:

NM_001009944.3(PKD1):c.1062G>A (p.Ala354=)

Gene: PKD1 (polycystin 1, transient receptor potential channel interacting; minus strand). Cytogenetic location: 16p13.3.
Variant type: single nucleotide variant.
Coding change: c.1062G>A on transcript NM_001009944.3 (MANE Select); coding-DNA position 1062, G replaced by A.
Protein change: p.Ala354=; no amino-acid change (alanine 354 retained).
Molecular consequence: synonymous variant.
Genome position (GRCh38, 1-based): chr16:2,117,930, C>T on the plus strand (G>A on the coding strand, the complement: PKD1 is on the minus strand). VCF-style: chr16-2117930-C-T. GRCh37 (hg19) VCF-style: chr16-2167931-C-T.
Other names: c.1062G>A, p.Ala354= (NM_000296.4).
Identifiers: ClinVar variation 3350368 (VCV003350368.1).

ClinVar aggregate classification (germline): Likely benign (0 of 4 stars; one submission).

Conditions:
PKD1-related disorder. Also called: PKD1-related condition.

Submission:

PreventionGenetics, part of Exact Sciences
Classification: Likely benign for PKD1-related condition. Last evaluated: 2019-06-07. Review status: no assertion criteria provided. Collection method: clinical testing. Allele origin: germline.
Comment: This variant is classified as likely benign based on ACMG/AMP sequence variant interpretation guidelines (Richards et al. 2015 PMID: 25741868, with internal and published modifications).